The following is an entry in ClinVar:

ClinVar aggregate classification (germline): Uncertain significance (1 of 4 stars; one submission).

Conditions:
Combined immunodeficiency due to LRBA deficiency. Also called: Common variable immunodeficiency 8, with autoimmunity. Identifiers: Orphanet 445018, MedGen C3553512, MONDO:0013863, OMIM 614700.

Submission:

Labcorp Genetics (formerly Invitae), Labcorp
Classification: Uncertain significance for Combined immunodeficiency due to LRBA deficiency. Last evaluated: 2022-05-27. Review status: criteria provided, single submitter. Criteria: Invitae Variant Classification Sherloc (09022015). Collection method: clinical testing. Allele origin: germline.
Comment: This sequence change replaces leucine, which is neutral and non-polar, with valine, which is neutral and non-polar, at codon 1038 of the LRBA protein (p.Leu1038Val). In summary, the available evidence is currently insufficient to determine the role of this variant in disease. Therefore, it has been classified as a Variant of Uncertain Significance. Algorithms developed to predict the effect of missense changes on protein structure and function (SIFT, PolyPhen-2, Align-GVGD) all suggest that this variant is likely to be tolerated. ClinVar contains an entry for this variant (Variation ID: 848119). This variant has not been reported in the literature in individuals affected with LRBA-related conditions. This variant is not present in population databases (gnomAD no frequency).

NM_001364905.1(LRBA):c.3112C>G (p.Leu1038Val)

Gene: LRBA (LPS responsive beige-like anchor protein; minus strand). Cytogenetic location: 4q31.3.
Variant type: single nucleotide variant.
Coding change: c.3112C>G on transcript NM_001364905.1 (MANE Select); coding-DNA position 3112, C replaced by G.
Protein change: p.Leu1038Val; replaces leucine 1038 with valine.
Molecular consequence: missense variant.
Genome position (GRCh38, 1-based): chr4:150,852,598, G>C on the plus strand (C>G on the coding strand, the complement: LRBA is on the minus strand). VCF-style: chr4-150852598-G-C. GRCh37 (hg19) VCF-style: chr4-151773750-G-C.
Other names: c.3112C>G, p.Leu1038Val (NM_001199282.3, NM_001367550.1, NM_006726.5); short protein forms L1038V.
Identifiers: ClinVar variation 848119 (VCV000848119.9), dbSNP rs1750742855, ClinGen allele CA358459504.